The following is an entry in ClinVar:

ClinVar aggregate classification (germline): Likely benign. Review status: criteria provided, multiple submitters, no conflicts (2 of 4 stars). 3 submissions from 3 submitters: Likely benign (3). Last evaluated 2026-06-18.

Conditions:
TTN-related disorder. Also called: TTN-related disorders; TTN-related condition; TTN-related disease.
Autosomal recessive limb-girdle muscular dystrophy type 2J (LGMDR10). Also called: MUSCULAR DYSTROPHY, LIMB-GIRDLE, AUTOSOMAL RECESSIVE 10; Limb-girdle muscular dystrophy, type 2J. Identifiers: Orphanet 140922, MedGen C1837342, MONDO:0012127, OMIM 608807.
Dilated cardiomyopathy 1G (CMD1G). Identifiers: Orphanet 154, MedGen C1858763, MONDO:0011400, OMIM 604145.
Cardiovascular phenotype. Identifiers: MedGen CN230736.

Allele frequency attached by ClinVar (database versions not stated): TOPMed below 0.00001; gnomAD exomes 0.00001.
gnomAD v4.1: 3 of 1,613,856 alleles (0.00019%); highest among the groups gnomAD compares: Middle Eastern, 0.049%; no homozygotes.

Submissions (3):

PreventionGenetics, part of Exact Sciences
Classification: Likely benign for TTN-related condition. Last evaluated: 2026-06-18. Review status: criteria provided, single submitter. Criteria: ACMG Guidelines, 2015. Collection method: clinical testing. Allele origin: germline.
Comment: This variant is classified as likely benign based on ACMG/AMP sequence variant interpretation guidelines (Richards et al. 2015 PMID: 25741868, with internal and published modifications).

Labcorp Genetics (formerly Invitae), Labcorp
Classification: Likely benign for Dilated cardiomyopathy 1G; Autosomal recessive limb-girdle muscular dystrophy type 2J. Last evaluated: 2024-02-16. Review status: criteria provided, single submitter. Criteria: Invitae Variant Classification Sherloc (09022015). Collection method: clinical testing. Allele origin: germline.

Ambry Genetics
Classification: Likely benign for Cardiovascular phenotype. Last evaluated: 2022-01-12. Review status: criteria provided, single submitter. Criteria: Ambry Variant Classification Scheme 2023. Collection method: clinical testing. Allele origin: germline.

NM_001267550.2(TTN):c.101166C>G (p.Thr33722=)

Genes: TTN (titin; minus strand), TTN-AS1 (TTN antisense RNA 1; plus strand). Cytogenetic location: 2q31.2.
Variant type: single nucleotide variant.
Coding change: c.101166C>G on transcript NM_001267550.2 (MANE Select); coding-DNA position 101166, C replaced by G.
Protein change: p.Thr33722=; no amino-acid change (threonine 33722 retained).
Molecular consequence: synonymous variant.
Genome position (GRCh38, 1-based): chr2:178,535,449, G>C on the plus strand (C>G on the coding strand, the complement: TTN is on the minus strand). VCF-style: chr2-178535449-G-C. GRCh37 (hg19) VCF-style: chr2-179400176-G-C.
Other names: c.96243C>G, p.Thr32081= (NM_001256850.1); c.73971C>G, p.Thr24657= (NM_003319.4); c.93462C>G, p.Thr31154= (NM_133378.4); c.74346C>G, p.Thr24782= (NM_133432.3); c.74547C>G, p.Thr24849= (NM_133437.4).
Identifiers: ClinVar variation 1758683 (VCV001758683.5), dbSNP rs866885370, ClinGen allele CA60960097.